The following is an entry in ClinVar:

NM_003773.5(HYAL2):c.935C>T (p.Ser312Phe)

Gene: HYAL2 (hyaluronidase 2; minus strand). Cytogenetic location: 3p21.31.
Variant type: single nucleotide variant.
Coding change: c.935C>T on transcript NM_003773.5 (MANE Select); coding-DNA position 935, C replaced by T.
Protein change: p.Ser312Phe; replaces serine 312 with phenylalanine.
Molecular consequence: missense variant.
Genome position (GRCh38, 1-based): chr3:50,319,032, G>A on the plus strand (C>T on the coding strand, the complement: HYAL2 is on the minus strand). VCF-style: chr3-50319032-G-A. GRCh37 (hg19) VCF-style: chr3-50356463-G-A.
Other names: c.935C>T, p.Ser312Phe (NM_033158.5); short protein forms S312F.
Identifiers: ClinVar variation 3035605 (VCV003035605.2), dbSNP rs201694655, ClinGen allele CA2416181.
Genomic context (GRCh38, chr3:50,319,032, plus strand): 5'-CCCGCGTCACCCCAGAGGATGACACCAGCTGCGCCCAGGGCCGCACTCTCGCCAATGGTA[G>A]AGATGAGGTCCATCTATGCAGGAAAAGGGATGGTCACTGGGGAAGACTGAGACCACAGGG-3'
Protein context (NP_003764.3, residues 302-322): LTGLSEMDLI[Ser312Phe]TIGESAALGA

ClinVar aggregate classification (germline): Uncertain significance (0 of 4 stars; one submission).

Conditions:
HYAL2-related disorder. Also called: HYAL2-related condition.

Allele frequency attached by ClinVar (database versions not stated): gnomAD exomes 0.00002; gnomAD 0.00003; ExAC 0.00004; TOPMed 0.00004.
gnomAD v4.1: 39 of 1,605,574 alleles (0.0024%); highest among the groups gnomAD compares: Non-Finnish European, 0.0033%; no homozygotes.

Submission:

PreventionGenetics, part of Exact Sciences
Classification: Uncertain significance for HYAL2-related condition. Last evaluated: 2024-01-11. Review status: no assertion criteria provided. Collection method: clinical testing. Allele origin: germline.
Comment: The HYAL2 c.935C>T variant is predicted to result in the amino acid substitution p.Ser312Phe. To our knowledge, this variant has not been reported in the literature. This variant is reported in 0.0080% of alleles in individuals of European (Non-Finnish) descent in gnomAD. At this time, the clinical significance of this variant is uncertain due to the absence of conclusive functional and genetic evidence.